The following is an entry in ClinVar:

ClinVar aggregate classification (germline): Uncertain significance (1 of 4 stars; one submission).

Submission:

GeneDx
Classification: Uncertain significance. Last evaluated: 2026-09-16. Review status: criteria provided, single submitter. Criteria: GeneDx Variant Classification Process June 2021. Collection method: clinical testing. Allele origin: germline.
Comment: Not observed at significant frequency in large population cohorts (gnomAD); In silico analysis supports that this missense variant has a deleterious effect on protein structure/function; Has not been previously published as pathogenic or benign to our knowledge.

NM_005585.5(SMAD6):c.704T>C (p.Leu235Pro)

Gene: SMAD6 (SMAD family member 6; plus strand). Cytogenetic location: 15q22.31.
Variant type: single nucleotide variant.
Coding change: c.704T>C on transcript NM_005585.5 (MANE Select); coding-DNA position 704, T replaced by C.
Protein change: p.Leu235Pro; replaces leucine 235 with proline.
Molecular consequence: missense variant. On other transcripts: non-coding transcript variant (1).
Genome position (GRCh38, 1-based): chr15:66,703,962, T>C. VCF-style: chr15-66703962-T-C. GRCh37 (hg19) VCF-style: chr15-66996300-T-C.
Other names: short protein forms L235P.
Identifiers: ClinVar variation 4082694 (VCV004082694.2).